The following is an entry in ClinVar:

ClinVar aggregate classification (germline): Pathogenic/Likely pathogenic. Review status: criteria provided, multiple submitters, no conflicts (2 of 4 stars). 5 submissions from 5 submitters: Pathogenic (2); Likely pathogenic (3). Last evaluated 2025-12-30.

Conditions:
Rod-cone dystrophy. Identifiers: MedGen C4551714, HP:0000510.
INPP5E-related disorder. Also called: INPP5E-related condition.
Joubert syndrome 1 (JBTS1). Also called: Cerebellooculorenal syndrome 1; CEREBELLOPARENCHYMAL DISORDER IV. Identifiers: MedGen C4551568, MONDO:0008944, OMIM 213300.
MORM syndrome (MORMS). Identifiers: Orphanet 75858, MedGen C1857802, MONDO:0012423, OMIM 610156.
Joubert syndrome. Also called: Familial aplasia of the vermis; JOUBERT-BOLTSHAUSER SYNDROME. Identifiers: Orphanet 475, MedGen C5979921, MONDO:0018772.

Submissions (5):

PreventionGenetics, part of Exact Sciences
Classification: Pathogenic for INPP5E-related condition. Last evaluated: 2025-12-30. Review status: criteria provided, single submitter. Criteria: ACMG Guidelines, 2015. Collection method: clinical testing. Allele origin: germline.
Comment: The INPP5E c.473dupG variant is predicted to result in premature protein termination (p.Asn159*). This variant was previously reported, in the compound heterozygous state with two missense variants in INPP5E, in an individual with retinal degeneration (Sangermano et al. 2021. PubMed ID: 34188062). This variant is reported in 0.0077% of alleles in individuals of East Asian descent in gnomAD. Of note, a different truncating variant impacting the neighboring amino acid residue (c.473delG, p.Gly158Valfs*40) was reported in a patient with Joubert syndrome (Table 1, Vilboux et al. 2017. PubMed ID: 28125082). Nonsense and frameshift variants in INPP5E are expected to be pathogenic. This variant is interpreted as pathogenic.

Dasa
Classification: Likely pathogenic. Last evaluated: 2025-01-24. Review status: criteria provided, single submitter. Criteria: DASA Assertion Criteria. Collection method: clinical testing. Allele origin: germline.
Comment: NM_019892.6(INPP5E):c.473dup (p.Asn159*) is a frameshift variant in INPP5E predicted to alter the reading frame and introduce a premature termination codon and is predicted to result in an absent or altered protein product. Loss of function is an established disease mechanism for INPP5E-associated disorders. Also, this variant is rare in population databases. Based on the currently available evidence, this variant is classified as likely pathogenic.

Labcorp Genetics (formerly Invitae), Labcorp
Classification: Pathogenic for Joubert syndrome. Last evaluated: 2024-10-28. Review status: criteria provided, single submitter. Criteria: Invitae Variant Classification Sherloc (09022015). Collection method: clinical testing. Allele origin: germline.
Comment: This sequence change creates a premature translational stop signal (p.Asn159*) in the INPP5E gene. It is expected to result in an absent or disrupted protein product. Loss-of-function variants in INPP5E are known to be pathogenic (PMID: 19668216, 23034536, 23386033, 28125082). The frequency data for this variant in the population databases is considered unreliable, as metrics indicate poor data quality at this position in the gnomAD database. This variant has not been reported in the literature in individuals affected with INPP5E-related conditions. ClinVar contains an entry for this variant (Variation ID: 964895). For these reasons, this variant has been classified as Pathogenic.

Fulgent Genetics
Classification: Likely pathogenic for Joubert syndrome 1; MORM syndrome. Last evaluated: 2024-01-28. Review status: criteria provided, single submitter. Criteria: ACMG Guidelines, 2015. Collection method: clinical testing. Allele origin: germline.

Ocular Genomics Institute, Massachusetts Eye and Ear
Classification: Likely pathogenic for Rod-cone dystrophy. Last evaluated: 2021-04-08. Review status: criteria provided, single submitter. Criteria: ACMG Guidelines, 2015. Collection method: research. Allele origin: germline. Affected: yes.
Comment: Through a review of available evidence we were able to apply the following criteria: PVS1, PM2. Based on this evidence we have classified this variant as Likely Pathogenic.

Literature cited by the submitters: PubMed 19668216 (cited by Labcorp Genetics (formerly Invitae), Labcorp); PubMed 23034536 (cited by Labcorp Genetics (formerly Invitae), Labcorp); PubMed 23386033 (cited by Labcorp Genetics (formerly Invitae), Labcorp); PubMed 28125082 (cited by Labcorp Genetics (formerly Invitae), Labcorp).

NM_019892.6(INPP5E):c.473dup (p.Gly158_Asn159insTer)

Gene: INPP5E (inositol polyphosphate-5-phosphatase E; minus strand). Cytogenetic location: 9q34.3.
Variant type: Duplication.
Coding change: c.473dup on transcript NM_019892.6 (MANE Select); coding-DNA position 473, one base duplicated (G; older notation c.473dupG).
Protein change: p.Gly158_Asn159insTer.
Molecular consequence: frameshift variant.
Genome position (GRCh38, 1-based): chr9:136,438,947, C duplicated on the plus strand (G on the coding strand, the reverse complement: INPP5E is on the minus strand); the first of 6 consecutive C bases (chr9:136,438,947-136,438,952); duplicating any one gives the same sequence. VCF-style (leftmost placement, unchanged base first): chr9-136438946-A-AC. GRCh37 (hg19) VCF-style: chr9-139333398-A-AC.
Other names: c.473dupG (NM_019892.5); c.473dup, p.Gly158_Asn159insTer (NM_001318502.2).
Identifiers: ClinVar variation 964895 (VCV000964895.12), dbSNP rs779450345, ClinGen allele CA5337152.